The following is an entry in ClinVar:

NM_006912.6(RIT1):c.229_234dup (p.Ala77_Gly78dup)

Gene: RIT1 (Ras like without CAAX 1; minus strand). Cytogenetic location: 1q22.
Variant type: Duplication.
Coding change: c.229_234dup on transcript NM_006912.6 (MANE Select); coding-DNA positions 229 to 234, 6 bases duplicated (GCTGGA; older notation c.229_234dupGCTGGA).
Protein change: p.Ala77_Gly78dup.
Molecular consequence: inframe insertion.
Genome position (GRCh38, 1-based): chr1:155,904,734-155,904,739, TCCAGC duplicated on the plus strand (GCTGGA on the coding strand, the reverse complement: RIT1 is on the minus strand); duplicating any 6 consecutive bases within chr1:155,904,734-155,904,740 gives the same sequence; the c. name uses the placement nearest the transcript's 3' end. VCF-style (leftmost placement, unchanged base first): chr1-155904733-G-GTCCAGC. GRCh37 (hg19) VCF-style: chr1-155874524-G-GTCCAGC.
Other names: c.121_126dup, p.Ala41_Gly42dup (NM_001256820.2); c.280_285dup, p.Ala94_Gly95dup (NM_001256821.2).
Identifiers: ClinVar variation 1007287 (VCV001007287.9), dbSNP rs1673399028, ClinGen allele CA1200376079.

ClinVar aggregate classification (germline): Uncertain significance (1 of 4 stars; one submission).

Conditions:
Noonan syndrome 8 (NS8). Identifiers: Orphanet 648, MedGen C3809233, MONDO:0014143, OMIM 615355.

Submission:

Labcorp Genetics (formerly Invitae), Labcorp
Classification: Uncertain significance for Noonan syndrome 8. Last evaluated: 2020-01-20. Review status: criteria provided, single submitter. Criteria: Invitae Variant Classification Sherloc (09022015). Collection method: clinical testing. Allele origin: germline.
Comment: In summary, the available evidence is currently insufficient to determine the role of this variant in disease. Therefore, it has been classified as a Variant of Uncertain Significance. Experimental studies and prediction algorithms are not available or were not evaluated, and the functional significance of this variant is currently unknown. This variant has been observed in individual(s) with Noonan syndrome (Invitae). This variant is not present in population databases (ExAC no frequency). This variant, c.229_234dup, results in the insertion of 2 amino acid(s) to the RIT1 protein (p.Ala77_Gly78dup), but otherwise preserves the integrity of the reading frame.